The following is an entry in ClinVar:

ClinVar aggregate classification (germline): Pathogenic. Review status: criteria provided, multiple submitters, no conflicts (2 of 4 stars). 5 submissions from 5 submitters: Pathogenic (5). Last evaluated 2025-09-16.

Conditions:
Inborn genetic diseases. Identifiers: MedGen C0950123, MeSH D030342.
Dystonia 9 (DYT9). Also called: CHOREOATHETOSIS, KINESIGENIC, WITH EPISODIC ATAXIA AND SPASTICITY. Identifiers: Orphanet 53583, MedGen C1832855, MONDO:0010983, OMIM 601042.
GLUT1 deficiency syndrome 1, autosomal recessive. Identifiers: MedGen C3149117.
Encephalopathy due to GLUT1 deficiency. Also called: GLUT1 deficiency syndrome 1, infantile onset, severe; GLUCOSE TRANSPORT DEFECT, BLOOD-BRAIN BARRIER; Classic Glucose Transporter Type 1 Deficiency Syndrome; De Vivo disease; GLUT1 deficiency syndrome 1; Glucose transporter protein syndrome. Identifiers: Orphanet 71277, MedGen C4551966, MONDO:0011724, OMIM 606777.

Allele frequency attached by ClinVar (database versions not stated): gnomAD exomes below 0.00001.

Submissions (5):

Labcorp Genetics (formerly Invitae), Labcorp
Classification: Pathogenic for GLUT1 deficiency syndrome 1, autosomal recessive. Last evaluated: 2025-09-16. Review status: criteria provided, single submitter. Criteria: Invitae Variant Classification Sherloc (09022015). Collection method: clinical testing. Allele origin: germline.
Comment: This sequence change replaces arginine, which is basic and polar, with cysteine, which is neutral and slightly polar, at codon 400 of the SLC2A1 protein (p.Arg400Cys). This variant is not present in population databases (gnomAD no frequency). This missense change has been observed in individual(s) with GLUT1-deficiency syndrome (PMID: 22704013, 26193382, 28018440). In at least one individual the variant was observed to be de novo. ClinVar contains an entry for this variant (Variation ID: 207212). Invitae Evidence Modeling incorporating data from in vitro experimental studies (internal data) indicates that this missense variant is expected to disrupt SLC2A1 function with a positive predictive value of 95%. This variant disrupts the p.Arg400 amino acid residue in SLC2A1. Other variant(s) that disrupt this residue have been determined to be pathogenic (PMID: 21555602, 22976442, 25487684). This suggests that this residue is clinically significant, and that variants that disrupt this residue are likely to be disease-causing. For these reasons, this variant has been classified as Pathogenic.

Genome-Nilou Lab
Classification: Pathogenic for Encephalopathy due to GLUT1 deficiency. Last evaluated: 2023-04-11. Review status: criteria provided, single submitter. Criteria: ACMG Guidelines, 2015. Collection method: clinical testing. Allele origin: germline. Affected: no.

Laboratorio de Genetica e Diagnostico Molecular, Hospital Israelita Albert Einstein
Classification: Pathogenic for Dystonia 9. Last evaluated: 2022-11-11. Review status: criteria provided, single submitter. Criteria: ACMG Guidelines, 2015. Collection method: clinical testing. Allele origin: germline. Affected: yes. Observed: 1 variant allele.
Comment: ACMG classification criteria: PS4 strong, PM2 moderated, PM5 moderated, PM6 moderated, PP3 supporting, PP4

GeneDx
Classification: Pathogenic. Last evaluated: 2022-05-26. Review status: criteria provided, single submitter. Criteria: GeneDx Variant Classification Process June 2021. Collection method: clinical testing. Allele origin: germline. Affected: yes.
Comment: Not observed in large population cohorts (gnomAD); In silico analysis supports that this missense variant has a deleterious effect on protein structure/function; Multiple pathogenic missense variants at this residue (p.R400H and p.R400L) have been reported in association with SLC2A1-related disorders (HGMD); This variant is associated with the following publications: (PMID: 24120063, 29303961, 22704013, 26193382, 28018440, 28116237, 29655203, 31710770)

Ambry Genetics
Classification: Pathogenic for Inborn genetic diseases. Last evaluated: 2017-12-13. Review status: criteria provided, single submitter. Criteria: Ambry exome assertion method (8-5-2015). Collection method: clinical testing. Allele origin: germline. Affected: yes. Observed: 1 variant allele.

Literature cited by the submitters: PubMed 22704013 (cited by Labcorp Genetics (formerly Invitae), Labcorp and Ambry Genetics); PubMed 26193382 (cited by Labcorp Genetics (formerly Invitae), Labcorp and Ambry Genetics); PubMed 28018440 (cited by Labcorp Genetics (formerly Invitae), Labcorp and Ambry Genetics); PubMed 21555602 (cited by Labcorp Genetics (formerly Invitae), Labcorp and Ambry Genetics); PubMed 22976442 (cited by Labcorp Genetics (formerly Invitae), Labcorp and Ambry Genetics); PubMed 25487684 (cited by Labcorp Genetics (formerly Invitae), Labcorp and Ambry Genetics); PubMed 21865127 (cited by Ambry Genetics).

NM_006516.4(SLC2A1):c.1198C>T (p.Arg400Cys)

Gene: SLC2A1 (solute carrier family 2 member 1; minus strand). Cytogenetic location: 1p34.2.
Variant type: single nucleotide variant.
Coding change: c.1198C>T on transcript NM_006516.4 (MANE Select); coding-DNA position 1198, C replaced by T.
Protein change: p.Arg400Cys; replaces arginine 400 with cysteine.
Molecular consequence: missense variant.
Genome position (GRCh38, 1-based): chr1:42,927,685, G>A on the plus strand (C>T on the coding strand, the complement: SLC2A1 is on the minus strand). VCF-style: chr1-42927685-G-A. GRCh37 (hg19) VCF-style: chr1-43393356-G-A.
Other names: p.R400C:CGT>TGT; short protein forms R400C.
Identifiers: ClinVar variation 207212 (VCV000207212.18), dbSNP rs796053263, ClinGen allele CA318469.